The following is an entry in ClinVar:

ClinVar aggregate classification (germline): Pathogenic (1 of 4 stars; one submission).

Conditions:
Joubert syndrome. Also called: CEREBELLOPARENCHYMAL DISORDER IV; JOUBERT-BOLTSHAUSER SYNDROME; Familial aplasia of the vermis. Identifiers: Orphanet 475, MedGen C5979921, MONDO:0018772.
Meckel-Gruber syndrome. Also called: DYSENCEPHALIA SPLANCHNOCYSTICA; GRUBER SYNDROME; Dysencephalia splachnocystica. Identifiers: Orphanet 564, MedGen C0265215, MONDO:0018921.

Submission:

Labcorp Genetics (formerly Invitae), Labcorp
Classification: Pathogenic for Joubert syndrome; Meckel-Gruber syndrome. Last evaluated: 2024-10-19. Review status: criteria provided, single submitter. Criteria: Invitae Variant Classification Sherloc (09022015). Collection method: clinical testing. Allele origin: germline.
Comment: This sequence change creates a premature translational stop signal (p.Phe303Leufs*3) in the MKS1 gene. It is expected to result in an absent or disrupted protein product. Loss-of-function variants in MKS1 are known to be pathogenic (PMID: 19466712, 24886560, 26490104). This variant is not present in population databases (gnomAD no frequency). This variant has not been reported in the literature in individuals affected with MKS1-related conditions. For these reasons, this variant has been classified as Pathogenic.

Literature cited by the submitters: PubMed 19466712; PubMed 24886560; PubMed 26490104.

NM_017777.4(MKS1):c.909del (p.Phe303fs)

Gene: MKS1 (MKS transition zone complex subunit 1; minus strand). Cytogenetic location: 17q22.
Variant type: Deletion.
Coding change: c.909del on transcript NM_017777.4 (MANE Select); coding-DNA position 909, one base deleted (T; older notation c.909delT).
Protein change: p.Phe303fs; shifts the reading frame from phenylalanine 303.
Molecular consequence: frameshift variant.
Genome position (GRCh38, 1-based): chr17:58,212,384, A deleted on the plus strand (T on the coding strand, the reverse complement: MKS1 is on the minus strand); the first of 3 consecutive A bases (chr17:58,212,384-58,212,386); deleting any one gives the same sequence. VCF-style (leftmost placement, unchanged base first): chr17-58212383-CA-C. GRCh37 (hg19) VCF-style: chr17-56289744-CA-C.
Other names: c.300del, p.Phe100fs (NM_001321268.2); c.909del, p.Phe303fs (NM_001321269.2, NM_001330397.2, NM_001411113.1); short protein forms F100fs, F303fs.
Identifiers: ClinVar variation 3759521 (VCV003759521.2).
Genomic context (GRCh38, chr17:58,212,383, plus strand): 5'-CAGAATGCTCCGGCTAAACACAGCTCACAGTGCTGCAGGAAGCCAAGCTACTCACCATCT[CA>C]AAGTCGGTGCCTACGAGGCTGCTGAGATACTCCTTGTGCCGGCCATAAAGCTGAGGAAAC-3'